The following is an entry in ClinVar:

NM_032447.5(FBN3):c.6827G>A (p.Arg2276Gln)

Gene: FBN3 (fibrillin 3; minus strand). Cytogenetic location: 19p13.2.
Variant type: single nucleotide variant.
Coding change: c.6827G>A on transcript NM_032447.5 (MANE Select); coding-DNA position 6827, G replaced by A.
Protein change: p.Arg2276Gln; replaces arginine 2276 with glutamine.
Molecular consequence: missense variant.
Genome position (GRCh38, 1-based): chr19:8,086,253, C>T on the plus strand (G>A on the coding strand, the complement: FBN3 is on the minus strand). VCF-style: chr19-8086253-C-T. GRCh37 (hg19) VCF-style: chr19-8151137-C-T.
Other names: c.6827G>A (NM_032447.3); c.6827G>A, p.Arg2276Gln (NM_001321431.2); short protein forms R2276Q.
Identifiers: ClinVar variation 1516463 (VCV001516463.8), dbSNP rs141228705, ClinGen allele CA9151102.

ClinVar aggregate classification (germline): Uncertain significance. Review status: criteria provided, multiple submitters, no conflicts (2 of 4 stars). 2 submissions from 2 submitters: Uncertain significance (2). Last evaluated 2025-12-02.

Allele frequency attached by ClinVar (database versions not stated): gnomAD exomes 0.00007 and 0.00010; ExAC 0.00010; gnomAD 0.00043 and 0.00046; ESP Exome Variant Server 0.00046; TOPMed 0.00047; 1000 Genomes Project 0.00060; 1000 Genomes Project 30x 0.00078.
gnomAD v4.1: 160 of 1,610,772 alleles (0.0099%); highest among the groups gnomAD compares: African/African-American, 0.14%; no homozygotes.

Submissions (2):

Labcorp Genetics (formerly Invitae), Labcorp
Classification: Uncertain significance. Last evaluated: 2025-12-02. Review status: criteria provided, single submitter. Criteria: Invitae Variant Classification Sherloc (09022015). Collection method: clinical testing. Allele origin: germline.
Comment: This sequence change replaces arginine, which is basic and polar, with glutamine, which is neutral and polar, at codon 2276 of the FBN3 protein (p.Arg2276Gln). This variant is present in population databases (rs141228705, gnomAD 0.1%), and has an allele count higher than expected for a pathogenic variant. This variant has not been reported in the literature in individuals affected with FBN3-related conditions. ClinVar contains an entry for this variant (Variation ID: 1516463). Invitae Evidence Modeling of protein sequence and biophysical properties (such as structural, functional, and spatial information, amino acid conservation, physicochemical variation, residue mobility, and thermodynamic stability) indicates that this missense variant is not expected to disrupt FBN3 protein function with a negative predictive value of 80%. In summary, the available evidence is currently insufficient to determine the role of this variant in disease. Therefore, it has been classified as a Variant of Uncertain Significance.

Ambry Genetics
Classification: Uncertain significance. Last evaluated: 2025-09-01. Review status: criteria provided, single submitter. Criteria: Ambry Variant Classification Scheme 2023. Collection method: clinical testing. Allele origin: germline.